The following is an entry in ClinVar:

ClinVar aggregate classification (germline): Likely benign. Review status: criteria provided, multiple submitters, no conflicts (2 of 4 stars). 2 submissions from 2 submitters: Likely benign (2). Last evaluated 2022-08-01.

Allele frequency attached by ClinVar (database versions not stated): gnomAD 0.00003; gnomAD exomes 0.00004; TOPMed 0.00004; ExAC 0.00007.
gnomAD v4.1: 63 of 1,613,346 alleles (0.0039%); highest among the groups gnomAD compares: East Asian, 0.0067%; no homozygotes.

Submissions (2):

CeGaT Center for Human Genetics Tuebingen
Classification: Likely benign. Last evaluated: 2022-08-01. Review status: criteria provided, single submitter. Criteria: CeGaT Center For Human Genetics Tuebingen Variant Classification Criteria Version 2. Collection method: clinical testing. Allele origin: germline. Affected: yes. Observed: 1 variant allele.
Comment: KMT2B: BP4, BP7

Labcorp Genetics (formerly Invitae), Labcorp
Classification: Likely benign. Last evaluated: 2022-01-11. Review status: criteria provided, single submitter. Criteria: Invitae Variant Classification Sherloc (09022015). Collection method: clinical testing. Allele origin: germline.

NM_014727.3(KMT2B):c.5553C>T (p.Ser1851=)

Gene: KMT2B (lysine methyltransferase 2B; plus strand). Cytogenetic location: 19q13.12.
Variant type: single nucleotide variant.
Coding change: c.5553C>T on transcript NM_014727.3 (MANE Select); coding-DNA position 5553, C replaced by T.
Protein change: p.Ser1851=; no amino-acid change (serine 1851 retained).
Molecular consequence: synonymous variant.
Genome position (GRCh38, 1-based): chr19:35,732,023, C>T. VCF-style: chr19-35732023-C-T. GRCh37 (hg19) VCF-style: chr19-36222924-C-T.
Identifiers: ClinVar variation 2056890 (VCV002056890.28), dbSNP rs767726790, ClinGen allele CA9385448.